The following is an entry in ClinVar:

ClinVar aggregate classification (germline): Uncertain significance. Review status: criteria provided, multiple submitters, no conflicts (2 of 4 stars). 3 submissions from 3 submitters: Uncertain significance (3). Last evaluated 2024-03-26.

Conditions:
Inborn genetic diseases. Identifiers: MedGen C0950123, MeSH D030342.
Neuronal ceroid lipofuscinosis. Also called: Neuronal Ceroid Lipofuscinoses. Identifiers: Orphanet 216, Orphanet 79263, MedGen C0027877, MONDO:0016295. Disease mechanism: loss of function.

Allele frequency attached by ClinVar (database versions not stated): gnomAD exomes 0.00001 and 0.00002; ExAC 0.00003.
gnomAD v4.1: 15 of 1,613,008 alleles (0.00093%); highest among the groups gnomAD compares: Non-Finnish European, 0.0013%; no homozygotes.

Submissions (3):

Blueprint Genetics
Classification: Uncertain significance. Last evaluated: 2024-03-26. Review status: criteria provided, single submitter. Criteria: ACMG Guidelines, 2015. Collection method: clinical testing. Allele origin: germline.

Labcorp Genetics (formerly Invitae), Labcorp
Classification: Uncertain significance for Neuronal ceroid lipofuscinosis. Last evaluated: 2022-07-05. Review status: criteria provided, single submitter. Criteria: Invitae Variant Classification Sherloc (09022015). Collection method: clinical testing. Allele origin: germline.
Comment: This sequence change replaces leucine, which is neutral and non-polar, with proline, which is neutral and non-polar, at codon 214 of the CLN3 protein (p.Leu214Pro). This variant is present in population databases (rs749609898, gnomAD 0.004%). This variant has not been reported in the literature in individuals affected with CLN3-related conditions. ClinVar contains an entry for this variant (Variation ID: 944379). Algorithms developed to predict the effect of missense changes on protein structure and function are either unavailable or do not agree on the potential impact of this missense change (SIFT: "Deleterious"; PolyPhen-2: "Probably Damaging"; Align-GVGD: "Class C15"). In summary, the available evidence is currently insufficient to determine the role of this variant in disease. Therefore, it has been classified as a Variant of Uncertain Significance.

Ambry Genetics
Classification: Uncertain significance for Inborn genetic diseases. Last evaluated: 2018-08-28. Review status: criteria provided, single submitter. Criteria: Ambry Variant Classification Scheme 2023. Collection method: clinical testing. Allele origin: germline.
Comment: The p.L214P variant (also known as c.641T>C), located in coding exon 8 of the CLN3 gene, results from a T to C substitution at nucleotide position 641. The leucine at codon 214 is replaced by proline, an amino acid with similar properties. This amino acid position is highly conserved in available vertebrate species. In addition, this alteration is predicted to be deleterious by in silico analysis. Since supporting evidence is limited at this time, the clinical significance of this alteration remains unclear.

NM_001042432.2(CLN3):c.641T>C (p.Leu214Pro)

Gene: CLN3 (CLN3 lysosomal/endosomal transmembrane protein, battenin; minus strand). Cytogenetic location: 16p12.1.
Variant type: single nucleotide variant.
Coding change: c.641T>C on transcript NM_001042432.2 (MANE Select); coding-DNA position 641, T replaced by C.
Protein change: p.Leu214Pro; replaces leucine 214 with proline.
Molecular consequence: missense variant.
Genome position (GRCh38, 1-based): chr16:28,486,383, A>G on the plus strand (T>C on the coding strand, the complement: CLN3 is on the minus strand). VCF-style: chr16-28486383-A-G. GRCh37 (hg19) VCF-style: chr16-28497704-A-G.
Other names: c.641T>C, p.Leu214Pro (NM_000086.2); c.569T>C, p.Leu190Pro (NM_001286104.2); c.341T>C, p.Leu114Pro (NM_001286105.2); c.407T>C, p.Leu136Pro (NM_001286109.2); c.479T>C, p.Leu160Pro (NM_001286110.2); short protein forms L136P, L214P, L114P, L160P, L190P.
Identifiers: ClinVar variation 944379 (VCV000944379.5), dbSNP rs749609898, ClinGen allele CA7980873.